The following is an entry in ClinVar:

ClinVar aggregate classification (germline): Conflicting classifications of pathogenicity. Review status: criteria provided, conflicting classifications (1 of 4 stars). 5 submissions from 5 submitters: Likely pathogenic (3); Uncertain significance (2). Last evaluated 2026-03-30.

Conditions:
Epilepsy, idiopathic generalized, susceptibility to, 15 (EIG15). Identifiers: MedGen C5193050, MONDO:0032699, OMIM 618357.

Allele frequency attached by ClinVar (database versions not stated): gnomAD exomes below 0.00001.
gnomAD v4.1: 2 of 1,609,306 alleles (0.00012%); highest among the groups gnomAD compares: Non-Finnish European, 0.00017%; no homozygotes.

Submissions (5):

GeneDx
Classification: Uncertain significance. Last evaluated: 2026-03-30. Review status: criteria provided, single submitter. Criteria: GeneDx Variant Classification Process June 2021. Collection method: clinical testing. Allele origin: germline.
Comment: Not observed at significant frequency in large population cohorts (gnomAD); In silico analysis supports that this missense variant has a deleterious effect on protein structure/function; Reported in the heterozygous state in a patient with autism but no detailed clinical information or segregation was provided in this report (PMID: 34615535); This variant is associated with the following publications: (PMID: 34615535)

Institute of Human Genetics, University of Leipzig Medical Center
Classification: Likely pathogenic for Epilepsy, idiopathic generalized, susceptibility to, 15. Last evaluated: 2026-03-24. Review status: criteria provided, single submitter. Criteria: ACMG Guidelines, 2015. Collection method: clinical testing. Allele origin: unknown. Inheritance: Autosomal dominant inheritance. Affected: yes.
Comment: Criteria applied: PS2_MOD,PS4_MOD,PM1_SUP,PM2_SUP,PP2,PP3

Labcorp Genetics (formerly Invitae), Labcorp
Classification: Likely pathogenic. Last evaluated: 2025-10-16. Review status: criteria provided, single submitter. Criteria: Invitae Variant Classification Sherloc (09022015). Collection method: clinical testing. Allele origin: germline.
Comment: This sequence change replaces arginine, which is basic and polar, with histidine, which is basic and polar, at codon 309 of the RORB protein (p.Arg309His). This variant is not present in population databases (gnomAD no frequency). This missense change has been observed in individual(s) with epilepsy (internal data). In at least one individual the variant was observed to be de novo. ClinVar contains an entry for this variant (Variation ID: 981652). An algorithm developed to predict the effect of missense changes on protein structure and function (PolyPhen-2) suggests that this variant is likely to be disruptive. In summary, the currently available evidence indicates that the variant is pathogenic, but additional data are needed to prove that conclusively. Therefore, this variant has been classified as Likely Pathogenic.

Blueprint Genetics
Classification: Uncertain significance. Last evaluated: 2020-12-31. Review status: criteria provided, single submitter. Criteria: ACMG Guidelines, 2015. Collection method: clinical testing. Allele origin: germline.

Cytogénomique, Hospices Civils de Lyon
Classification: Likely pathogenic for Epilepsy, idiopathic generalized, susceptibility to, 15. Review status: criteria provided, single submitter. Criteria: ACMG Guidelines, 2015. Collection method: clinical testing. Allele origin: de novo. Inheritance: Autosomal dominant inheritance. Affected: yes.

NM_006914.4(RORB):c.926G>A (p.Arg309His)

Gene: RORB (RAR related orphan receptor B; plus strand). Cytogenetic location: 9q21.13.
Variant type: single nucleotide variant.
Coding change: c.926G>A on transcript NM_006914.4 (MANE Select); coding-DNA position 926, G replaced by A.
Protein change: p.Arg309His; replaces arginine 309 with histidine.
Molecular consequence: missense variant.
Genome position (GRCh38, 1-based): chr9:74,665,521, G>A. VCF-style: chr9-74665521-G-A. GRCh37 (hg19) VCF-style: chr9-77280437-G-A.
Other names: c.959G>A, p.Arg320His (NM_001365023.1); short protein forms R309H, R320H.
Identifiers: ClinVar variation 981652 (VCV000981652.9), dbSNP rs1824250656, ClinGen allele CA373771041.